The following is an entry in ClinVar:

NM_181332.3(NLGN4X):c.779_782dup (p.Leu262fs)

Gene: NLGN4X (neuroligin 4 X-linked; minus strand). Cytogenetic location: Xp22.32.
Variant type: Duplication.
Coding change: c.779_782dup on transcript NM_181332.3 (MANE Select); coding-DNA positions 779 to 782, 4 bases duplicated (TCAG; older notation c.779_782dupTCAG).
Protein change: p.Leu262fs; shifts the reading frame from leucine 262.
Molecular consequence: frameshift variant.
Genome position (GRCh38, 1-based): chrX:5,909,083-5,909,086, CTGA duplicated on the plus strand (TCAG on the coding strand, the reverse complement: NLGN4X is on the minus strand); duplicating any 4 consecutive bases within chrX:5,909,083-5,909,087 gives the same sequence; the c. name uses the placement nearest the transcript's 3' end. VCF-style (leftmost placement, unchanged base first): chrX-5909082-G-GCTGA. GRCh37 (hg19) VCF-style: chrX-5827123-G-GCTGA.
Other names: c.779_782dup, p.Leu262fs (NM_001282145.2, NM_001282146.2, NM_001441322.1 and 4 more transcripts); short protein forms L262fs.
Identifiers: ClinVar variation 4531342 (VCV004531342.1).

ClinVar aggregate classification (germline): Pathogenic (1 of 4 stars; one submission).

Conditions:
Autism, susceptibility to, X-linked 2 (AUTSX2). Also called: Autism susceptibility, X-linked 2. Identifiers: MedGen C1845539, MONDO:0010341, OMIM 300495.

Submission:

Victorian Clinical Genetics Services, Murdoch Childrens Research Institute
Classification: Pathogenic for Autism, susceptibility to, X-linked 2. Last evaluated: 2025-02-03. Review status: criteria provided, single submitter. Criteria: ACMG Guidelines, 2015. Collection method: clinical testing. Allele origin: germline. Affected: yes.
Comment: This variant is classified as Pathogenic. Evidence in support of pathogenic classification: Variant is predicted to cause nonsense-mediated decay (NMD) and loss of protein (premature termination codon is located at least 54 nucleotides upstream of the final exon-exon junction); Variant is absent from gnomAD (v2, v3 and v4); Other NMD-predicted variant(s) comparable to the one identified in this case have strong previous evidence for pathogenicity. p.(Arg101Ter) and p.(Gln112fs) have been classified as pathogenic by clinical laboratories in ClinVar. In addition, p.(Glu418fs), p.(Asp396Ter) and p.(Tyr152Ter) have been observed in multiple individuals with autism spectrum disorder and/or intellectual disability (DECIPHER; PMID: 14963808, 12669065). Additional information: This variant is heterozygous; This gene is associated with X-linked disease. Affected males and females have been reported (OMIM); This variant has no previous evidence of pathogenicity; No published segregation evidence has been identified for this variant; No published functional evidence has been identified for this variant; Loss of function is a known mechanism of disease in this gene and is associated with X-linked intellectual developmental disorder (MIM#300495).

Literature cited by the submitters: PubMed 12669065; PubMed 14963808.